The following is an entry in ClinVar:

NM_025233.7(COASY):c.1498A>G (p.Ile500Val)

Gene: COASY (Coenzyme A synthase; plus strand). Cytogenetic location: 17q21.2.
Variant type: single nucleotide variant.
Coding change: c.1498A>G on transcript NM_025233.7 (MANE Select); coding-DNA position 1498, A replaced by G.
Protein change: p.Ile500Val; replaces isoleucine 500 with valine.
Molecular consequence: missense variant.
Genome position (GRCh38, 1-based): chr17:42,565,671, A>G. VCF-style: chr17-42565671-A-G. GRCh37 (hg19) VCF-style: chr17-40717689-A-G.
Other names: c.1498A>G, p.Ile500Val (NM_001042529.3); c.1585A>G, p.Ile529Val (NM_001042532.4); short protein forms I529V, I500V.
Identifiers: ClinVar variation 1384287 (VCV001384287.5), dbSNP rs758261808, ClinGen allele CA8578376.
Genomic context (GRCh38, chr17:42,565,671, plus strand): 5'-ATCCTGTGAGCTGGAATTCTTCCTGACAAATGTCTCGTCTGTGCTCAGGCTGTAAGACGC[A>G]TTGTGGAGAGGGATGGCCTCAGTGAAGCCGCGGCTCAAAGCCGGCTGCAGAGCCAGATGA-3'
Protein context (NP_079509.5, residues 490-510): VIPETEAVRR[Ile500Val]VERDGLSEAA

ClinVar aggregate classification (germline): Uncertain significance (1 of 4 stars; one submission).

Conditions:
Neurodegeneration with brain iron accumulation 6 (NBIA6). Also called: COASY protein-associated neurodegeneration. Identifiers: Orphanet 397725, MedGen C4517377, MONDO:0014290, OMIM 615643.

Allele frequency attached by ClinVar (database versions not stated): ExAC 0.00002; gnomAD exomes 0.00002.

Submission:

Labcorp Genetics (formerly Invitae), Labcorp
Classification: Uncertain significance for Neurodegeneration with brain iron accumulation 6. Last evaluated: 2021-10-03. Review status: criteria provided, single submitter. Criteria: Invitae Variant Classification Sherloc (09022015). Collection method: clinical testing. Allele origin: germline.
Comment: In summary, the available evidence is currently insufficient to determine the role of this variant in disease. Therefore, it has been classified as a Variant of Uncertain Significance. Algorithms developed to predict the effect of missense changes on protein structure and function (SIFT, PolyPhen-2, Align-GVGD) all suggest that this variant is likely to be tolerated. This variant has not been reported in the literature in individuals affected with COASY-related conditions. This variant is present in population databases (rs758261808, ExAC 0.01%). This sequence change replaces isoleucine with valine at codon 500 of the COASY protein (p.Ile500Val). The isoleucine residue is moderately conserved and there is a small physicochemical difference between isoleucine and valine.